The following is an entry in ClinVar:

ClinVar aggregate classification (germline): Uncertain significance (1 of 4 stars; one submission).

Conditions:
Familial hypocalciuric hypercalcemia (FHH). Also called: Familial benign hypercalcemia. Identifiers: Orphanet 405, MedGen C1809471, MONDO:0018458.
Autosomal dominant hypocalcemia 1 (HYPOC1). Also called: HYPOCALCEMIA, FAMILIAL. Identifiers: MedGen C3715128, MONDO:0011013, OMIM 601198.

Submission:

Labcorp Genetics (formerly Invitae), Labcorp
Classification: Uncertain significance for Familial hypocalciuric hypercalcemia; Autosomal dominant hypocalcemia 1. Last evaluated: 2022-02-04. Review status: criteria provided, single submitter. Criteria: Invitae Variant Classification Sherloc (09022015). Collection method: clinical testing. Allele origin: germline.
Comment: In summary, the available evidence is currently insufficient to determine the role of this variant in disease. Therefore, it has been classified as a Variant of Uncertain Significance. Algorithms developed to predict the effect of missense changes on protein structure and function (SIFT, PolyPhen-2, Align-GVGD) all suggest that this variant is likely to be disruptive. This variant has not been reported in the literature in individuals affected with CASR-related conditions. This variant is not present in population databases (gnomAD no frequency). This sequence change replaces leucine, which is neutral and non-polar, with valine, which is neutral and non-polar, at codon 521 of the CASR protein (p.Leu521Val).

NM_000388.4(CASR):c.1561C>G (p.Leu521Val)

Gene: CASR (calcium sensing receptor; plus strand). Cytogenetic location: 3q21.1.
Variant type: single nucleotide variant.
Coding change: c.1561C>G on transcript NM_000388.4 (MANE Select); coding-DNA position 1561, C replaced by G.
Protein change: p.Leu521Val; replaces leucine 521 with valine.
Molecular consequence: missense variant.
Genome position (GRCh38, 1-based): chr3:122,275,995, C>G. VCF-style: chr3-122275995-C-G. GRCh37 (hg19) VCF-style: chr3-121994842-C-G.
Other names: c.1561C>G, p.Leu521Val (NM_001178065.2); short protein forms L521V.
Identifiers: ClinVar variation 1968972 (VCV001968972.5), dbSNP rs2473258376, ClinGen allele CA354155432.
Genomic context (GRCh38, chr3:122,275,995, plus strand): 5'-GGCTCCATCGTGTTTAAGGAAGTCGGGTATTACAACGTCTATGCCAAGAAGGGAGAAAGA[C>G]TCTTCATCAACGAGGAGAAAATCCTGTGGAGTGGGTTCTCCAGGGAGGTAGGTGCTGTCC-3'
Protein context (NP_000379.3, residues 511-531): YNVYAKKGER[Leu521Val]FINEEKILWS